The following is an entry in ClinVar:

ClinVar aggregate classification (germline): Uncertain significance (1 of 4 stars; one submission).

Conditions:
Familial thoracic aortic aneurysm and aortic dissection (TAAD). Also called: Thoracic aortic aneurysms and dissections. Identifiers: Orphanet 91387, MedGen C4707243, MONDO:0019625.

Submission:

Color Diagnostics, LLC DBA Color Health
Classification: Uncertain significance for Familial thoracic aortic aneurysm and aortic dissection. Last evaluated: 2020-04-06. Review status: criteria provided, single submitter. Criteria: ACMG Guidelines, 2015. Collection method: clinical testing. Allele origin: germline.
Comment: This variant causes an A to G nucleotide substitution at the +4 position of intron 8 of the SMAD3 gene. Splice site prediction tools and conservation analysis are inconclusive regarding the impact of this variant on RNA splicing. To our knowledge, functional studies have not been reported for this variant. This variant has not been reported in individuals affected with cardiovascular disorders in the literature. This variant has not been identified in the general population by the Genome Aggregation Database (gnomAD). The available evidence is insufficient to determine the role of this variant in disease conclusively. Therefore, this variant is classified as a Variant of Uncertain Significance.

NM_005902.4(SMAD3):c.1154+4A>G

Gene: SMAD3 (SMAD family member 3; plus strand). Cytogenetic location: 15q22.33.
Variant type: single nucleotide variant.
Coding change: c.1154+4A>G on transcript NM_005902.4 (MANE Select); 4 bases into the intron after coding-DNA position 1154, A replaced by G.
Molecular consequence: intron variant.
Genome position (GRCh38, 1-based): chr15:67,187,513, A>G. VCF-style: chr15-67187513-A-G. GRCh37 (hg19) VCF-style: chr15-67479851-A-G.
Other names: c.839+4A>G (NM_001145102.2); c.1022+4A>G (NM_001145103.2); c.569+4A>G (NM_001145104.2).
Identifiers: ClinVar variation 926659 (VCV000926659.3), dbSNP rs1963253277, ClinGen allele CA1139664051.